The following is an entry in ClinVar:

NM_006267.5(RANBP2):c.1309C>T (p.Leu437Phe)

Gene: RANBP2 (RAN binding protein 2; plus strand). Cytogenetic location: 2q13.
Variant type: single nucleotide variant.
Coding change: c.1309C>T on transcript NM_006267.5 (MANE Select); coding-DNA position 1309, C replaced by T.
Protein change: p.Leu437Phe; replaces leucine 437 with phenylalanine.
Molecular consequence: missense variant.
Genome position (GRCh38, 1-based): chr2:108,751,299, C>T. VCF-style: chr2-108751299-C-T. GRCh37 (hg19) VCF-style: chr2-109367755-C-T.
Other names: short protein forms L437F.
Identifiers: ClinVar variation 1723540 (VCV001723540.2), dbSNP rs774972402, ClinGen allele CA1822302.

ClinVar aggregate classification (germline): Uncertain significance (1 of 4 stars; one submission).

Allele frequency attached by ClinVar (database versions not stated): gnomAD exomes below 0.00001; ExAC 0.00001; gnomAD 0.00003.
gnomAD v4.1: 10 of 1,611,766 alleles (0.00062%); highest among the groups gnomAD compares: African/African-American, 0.013%; no homozygotes.

Submission:

GeneDx
Classification: Uncertain significance. Last evaluated: 2022-12-21. Review status: criteria provided, single submitter. Criteria: GeneDx Variant Classification Process June 2021. Collection method: clinical testing. Allele origin: germline. Affected: yes.
Comment: In silico analysis supports that this missense variant has a deleterious effect on protein structure/function; Has not been previously published as pathogenic or benign to our knowledge